The following is an entry in ClinVar:

NM_021813.4(BACH2):c.418C>G (p.Leu140Val)

Gene: BACH2 (BACH transcriptional regulator 2; minus strand). Cytogenetic location: 6q15.
Variant type: single nucleotide variant.
Coding change: c.418C>G on transcript NM_021813.4 (MANE Select); coding-DNA position 418, C replaced by G.
Protein change: p.Leu140Val; replaces leucine 140 with valine.
Molecular consequence: missense variant.
Genome position (GRCh38, 1-based): chr6:89,951,688, G>C on the plus strand (C>G on the coding strand, the complement: BACH2 is on the minus strand). VCF-style: chr6-89951688-G-C. GRCh37 (hg19) VCF-style: chr6-90661407-G-C.
Other names: c.418C>G, p.Leu140Val (NM_001170794.2); short protein forms L140V.
Identifiers: ClinVar variation 2074201 (VCV002074201.4), dbSNP rs1774134869, ClinGen allele CA365073060.

ClinVar aggregate classification (germline): Uncertain significance (1 of 4 stars; one submission).

Allele frequency attached by ClinVar (database versions not stated): gnomAD 0.00001.

Submission:

Labcorp Genetics (formerly Invitae), Labcorp
Classification: Uncertain significance. Last evaluated: 2022-07-12. Review status: criteria provided, single submitter. Criteria: Invitae Variant Classification Sherloc (09022015). Collection method: clinical testing. Allele origin: germline.
Comment: Algorithms developed to predict the effect of missense changes on protein structure and function are either unavailable or do not agree on the potential impact of this missense change (SIFT: "Deleterious"; PolyPhen-2: "Benign"; Align-GVGD: "Class C0"). In summary, the available evidence is currently insufficient to determine the role of this variant in disease. Therefore, it has been classified as a Variant of Uncertain Significance. This variant has not been reported in the literature in individuals affected with BACH2-related conditions. This sequence change replaces leucine, which is neutral and non-polar, with valine, which is neutral and non-polar, at codon 140 of the BACH2 protein (p.Leu140Val). This variant is not present in population databases (gnomAD no frequency).